The following is an entry in ClinVar:

NM_005120.3(MED12):c.4864-6C>T

Gene: MED12 (mediator complex subunit 12; plus strand). Cytogenetic location: Xq13.1.
Variant type: single nucleotide variant.
Coding change: c.4864-6C>T on transcript NM_005120.3 (MANE Select); 6 bases into the intron before coding-DNA position 4864, C replaced by T.
Molecular consequence: intron variant.
Genome position (GRCh38, 1-based): chrX:71,135,086, C>T. VCF-style: chrX-71135086-C-T. GRCh37 (hg19) VCF-style: chrX-70354936-C-T.
Identifiers: ClinVar variation 515584 (VCV000515584.15), dbSNP rs1018026145, ClinGen allele CA330982753.

ClinVar aggregate classification (germline): Conflicting classifications of pathogenicity. Review status: criteria provided, conflicting classifications (1 of 4 stars). 3 submissions from 3 submitters: Uncertain significance (1); Likely benign (2). Last evaluated 2025-03-04.

Conditions:
FG syndrome (FGS). Identifiers: MedGen C0220769, MONDO:0002010.
FG syndrome 1 (OKS). Also called: KELLER SYNDROME; MENTAL RETARDATION, LARGE HEAD, IMPERFORATE ANUS, CONGENITAL HYPOTONIA, AND PARTIAL AGENESIS OF CORPUS CALLOSUM; OPITZ-KAVEGGIA SYNDROME; FG Syndrome Type 1 (FGS1). Identifiers: Orphanet 93932, MedGen C5399762, MONDO:0010590, OMIM 305450.

Allele frequency attached by ClinVar (database versions not stated): gnomAD exomes 0.00001; TOPMed 0.00002; gnomAD 0.00004 and 0.00005.
gnomAD v4.1: 17 of 1,209,223 alleles (0.0014%); highest among the groups gnomAD compares: East Asian, 0.003%; no homozygotes.

Submissions (3):

Labcorp Genetics (formerly Invitae), Labcorp
Classification: Likely benign for FG syndrome. Last evaluated: 2025-03-04. Review status: criteria provided, single submitter. Criteria: Invitae Variant Classification Sherloc (09022015). Collection method: clinical testing. Allele origin: germline.

GeneDx
Classification: Likely benign. Last evaluated: 2020-12-21. Review status: criteria provided, single submitter. Criteria: GeneDx Variant Classification Process June 2021. Collection method: clinical testing. Allele origin: germline. Affected: yes.

Baylor Genetics
Classification: Uncertain significance for FG syndrome 1. Last evaluated: 2019-08-06. Review status: criteria provided, single submitter. Criteria: ACMG Guidelines, 2015. Collection method: clinical testing. Allele origin: unknown. Affected: yes.
Comment: This variant was determined to be of uncertain significance according to ACMG Guidelines, 2015 [PMID:25741868].